The following is an entry in ClinVar:

NM_018706.7(DHTKD1):c.1889T>G (p.Phe630Cys)

Gene: DHTKD1 (dehydrogenase E1 and transketolase domain containing 1; plus strand). Cytogenetic location: 10p14.
Variant type: single nucleotide variant.
Coding change: c.1889T>G on transcript NM_018706.7 (MANE Select); coding-DNA position 1889, T replaced by G.
Protein change: p.Phe630Cys; replaces phenylalanine 630 with cysteine.
Molecular consequence: missense variant.
Genome position (GRCh38, 1-based): chr10:12,101,174, T>G. VCF-style: chr10-12101174-T-G. GRCh37 (hg19) VCF-style: chr10-12143173-T-G.
Other names: short protein forms F630C.
Identifiers: ClinVar variation 2614055 (VCV002614055.4), dbSNP rs1259560868, ClinGen allele CA376022863.

ClinVar aggregate classification (germline): Uncertain significance. Review status: criteria provided, multiple submitters, no conflicts (2 of 4 stars). 2 submissions from 2 submitters: Uncertain significance (2). Last evaluated 2025-04-14.

Conditions:
Inborn genetic diseases. Identifiers: MedGen C0950123, MeSH D030342.
2-aminoadipic 2-oxoadipic aciduria (AAKAD). Also called: Aminoadipic aciduria; ALPHA-AMINOADIPIC AND ALPHA-KETOADIPIC ACIDURIA. Identifiers: Orphanet 79154, MedGen C1859817, MONDO:0008774, OMIM 204750.

Allele frequency attached by ClinVar (database versions not stated): TOPMed below 0.00001; gnomAD 0.00001.
gnomAD v4.1: 1 of 1,612,654 alleles (0.000062%); highest among the groups gnomAD compares: East Asian, 0.0022%; no homozygotes.

Submissions (2):

Labcorp Genetics (formerly Invitae), Labcorp
Classification: Uncertain significance for 2-aminoadipic 2-oxoadipic aciduria. Last evaluated: 2025-04-14. Review status: criteria provided, single submitter. Criteria: Invitae Variant Classification Sherloc (09022015). Collection method: clinical testing. Allele origin: germline.
Comment: This sequence change replaces phenylalanine, which is neutral and non-polar, with cysteine, which is neutral and slightly polar, at codon 630 of the DHTKD1 protein (p.Phe630Cys). This variant is not present in population databases (gnomAD no frequency). This variant has not been reported in the literature in individuals affected with DHTKD1-related conditions. ClinVar contains an entry for this variant (Variation ID: 2614055). Invitae Evidence Modeling of protein sequence and biophysical properties (such as structural, functional, and spatial information, amino acid conservation, physicochemical variation, residue mobility, and thermodynamic stability) indicates that this missense variant is not expected to disrupt DHTKD1 protein function with a negative predictive value of 80%. In summary, the available evidence is currently insufficient to determine the role of this variant in disease. Therefore, it has been classified as a Variant of Uncertain Significance.

Ambry Genetics
Classification: Uncertain significance for Inborn genetic diseases. Last evaluated: 2023-07-25. Review status: criteria provided, single submitter. Criteria: Ambry Variant Classification Scheme 2023. Collection method: clinical testing. Allele origin: germline.